The following is an entry in ClinVar:

ClinVar aggregate classification (germline): Pathogenic (1 of 4 stars; one submission).

Submission:

Labcorp Genetics (formerly Invitae), Labcorp
Classification: Pathogenic. Last evaluated: 2024-12-07. Review status: criteria provided, single submitter. Criteria: Invitae Variant Classification Sherloc (09022015). Collection method: clinical testing. Allele origin: germline.
Comment: This sequence change creates a premature translational stop signal (p.Trp121*) in the RAI1 gene. It is expected to result in an absent or disrupted protein product. Loss-of-function variants in RAI1 are known to be pathogenic (PMID: 21857958, 24715852). This variant is not present in population databases (gnomAD no frequency). This premature translational stop signal has been observed in individual(s) with RAI1-related conditions (PMID: 37628566). For these reasons, this variant has been classified as Pathogenic.

Literature cited by the submitters: PubMed 21857958; PubMed 24715852; PubMed 37628566.

NM_030665.4(RAI1):c.363G>A (p.Trp121Ter)

Gene: RAI1 (retinoic acid induced 1; plus strand). Cytogenetic location: 17p11.2.
Variant type: single nucleotide variant.
Coding change: c.363G>A on transcript NM_030665.4 (MANE Select); coding-DNA position 363, G replaced by A.
Protein change: p.Trp121Ter; replaces tryptophan 121 with a stop codon.
Molecular consequence: nonsense.
Genome position (GRCh38, 1-based): chr17:17,793,311, G>A. VCF-style: chr17-17793311-G-A. GRCh37 (hg19) VCF-style: chr17-17696625-G-A.
Other names: short protein forms W121*.
Identifiers: ClinVar variation 3724289 (VCV003724289.2).
Genomic context (GRCh38, chr17:17,793,311, plus strand): 5'-CGTCCAGGACAGCAGCCCCTACCCAGGCCGCTATGCTGGTGAGGAGAGCCTTCAGGCTTG[G>A]GGGGCCCCACAGCCACCACCCCCACAGCCGCAGCCACTACCTGCAGGGGTGGCCAAGTAT-3'